The following is an entry in ClinVar:

ClinVar aggregate classification (germline): Pathogenic (1 of 4 stars; one submission).

Conditions:
Mucopolysaccharidosis type 6 (MPS6). Also called: MPS VI; ARSB DEFICIENCY; ARYLSULFATASE B DEFICIENCY; N-ACETYLGALACTOSAMINE-4-SULFATASE DEFICIENCY; MPS 6; Maroteaux Lamy syndrome. Identifiers: Orphanet 583, MedGen C0026709, MONDO:0009661, OMIM 253200.

Submission:

Labcorp Genetics (formerly Invitae), Labcorp
Classification: Pathogenic for Mucopolysaccharidosis type 6. Last evaluated: 2022-01-01. Review status: criteria provided, single submitter. Criteria: Invitae Variant Classification Sherloc (09022015). Collection method: clinical testing. Allele origin: germline.
Comment: For these reasons, this variant has been classified as Pathogenic. This variant has not been reported in the literature in individuals affected with ARSB-related conditions. This variant is not present in population databases (gnomAD no frequency). This sequence change creates a premature translational stop signal (p.Tyr85*) in the ARSB gene. It is expected to result in an absent or disrupted protein product. Loss-of-function variants in ARSB are known to be pathogenic (PMID: 17458871, 22133300).

Literature cited by the submitters: PubMed 17458871; PubMed 22133300.

NM_000046.5(ARSB):c.255C>G (p.Tyr85Ter)

Genes: ARSB (arylsulfatase B; minus strand), LOC129994126 (ATAC-STARR-seq lymphoblastoid silent region 16127; plus strand). Cytogenetic location: 5q14.1.
Variant type: single nucleotide variant.
Coding change: c.255C>G on transcript NM_000046.5 (MANE Select); coding-DNA position 255, C replaced by G.
Protein change: p.Tyr85Ter; replaces tyrosine 85 with a stop codon.
Molecular consequence: nonsense.
Genome position (GRCh38, 1-based): chr5:78,984,994, G>C on the plus strand (C>G on the coding strand, the complement: ARSB is on the minus strand). VCF-style: chr5-78984994-G-C. GRCh37 (hg19) VCF-style: chr5-78280817-G-C.
Other names: c.255C>G, p.Tyr85Ter (NM_198709.3); short protein forms Y85*.
Identifiers: ClinVar variation 2069290 (VCV002069290.4), dbSNP rs780507196, ClinGen allele CA360196543.